The following is an entry in ClinVar:

NM_001379200.1(TBX1):c.740A>G (p.Gln247Arg)

Gene: TBX1 (T-box transcription factor 1; plus strand). Cytogenetic location: 22q11.21.
Variant type: single nucleotide variant.
Coding change: c.740A>G on transcript NM_001379200.1 (MANE Select); coding-DNA position 740, A replaced by G.
Protein change: p.Gln247Arg; replaces glutamine 247 with arginine.
Molecular consequence: missense variant.
Genome position (GRCh38, 1-based): chr22:19,764,986, A>G. VCF-style: chr22-19764986-A-G. GRCh37 (hg19) VCF-style: chr22-19752509-A-G.
Other names: c.713A>G, p.Gln238Arg (NM_005992.1, NM_080646.2, NM_080647.1); short protein forms Q247R, Q238R.
Identifiers: ClinVar variation 1382862 (VCV001382862.7), dbSNP rs373539086, ClinGen allele CA10102550.
Genomic context (GRCh38, chr22:19,764,986, plus strand): 5'-CGCTGGAGCTGATTCCCCACCTTGTCTTCCAGATTATTCTGAATTCCATGCACAGATACC[A>G]GCCCCGCTTCCACGTGGTCTATGTGGACCCACGCAAAGATAGCGAGAAATATGCCGAGGA-3'
Protein context (NP_001366129.1, residues 237-257): HIILNSMHRY[Gln247Arg]PRFHVVYVDP

ClinVar aggregate classification (germline): Uncertain significance. Review status: criteria provided, multiple submitters, no conflicts (2 of 4 stars). 2 submissions from 2 submitters: Uncertain significance (2). Last evaluated 2022-03-09.

Conditions:
DiGeorge syndrome. Also called: THIRD AND FOURTH PHARYNGEAL POUCH SYNDROME; Catch22. Identifiers: Orphanet 567, MedGen C0012236, MONDO:0008564, OMIM 188400.
Velocardiofacial syndrome (VCFS). Also called: SHPRINTZEN VCF SYNDROME; VCF SYNDROME; Shprintzen syndrome. Identifiers: Orphanet 567, MedGen C0220704, MONDO:0008644, OMIM 192430. Disease mechanism: loss of function.
Conotruncal heart malformations (CTHM). Also called: Conotruncal heart malformations, variable. Identifiers: Orphanet 2445, Orphanet 3384, Orphanet 3426, MedGen C1857586, MONDO:0016581, OMIM 217095.
Tetralogy of Fallot (TOF). Identifiers: Orphanet 3303, MedGen C0039685, MONDO:0008542, OMIM 187500, HP:0001636.

Allele frequency attached by ClinVar (database versions not stated): gnomAD exomes below 0.00001; ExAC 0.00001; gnomAD 0.00001 and 0.00002; TOPMed 0.00001; ESP Exome Variant Server 0.00008.
gnomAD v4.1: 5 of 1,614,066 alleles (0.00031%); highest among the groups gnomAD compares: Admixed American, 0.0017%; no homozygotes.

Submissions (2):

Fulgent Genetics
Classification: Uncertain significance for Tetralogy of Fallot; DiGeorge syndrome; Velocardiofacial syndrome; Conotruncal heart malformations. Last evaluated: 2022-03-09. Review status: criteria provided, single submitter. Criteria: ACMG Guidelines, 2015. Collection method: clinical testing. Allele origin: unknown.

Labcorp Genetics (formerly Invitae), Labcorp
Classification: Uncertain significance for DiGeorge syndrome. Last evaluated: 2021-07-29. Review status: criteria provided, single submitter. Criteria: Invitae Variant Classification Sherloc (09022015). Collection method: clinical testing. Allele origin: germline.
Comment: In summary, the available evidence is currently insufficient to determine the role of this variant in disease. Therefore, it has been classified as a Variant of Uncertain Significance. Algorithms developed to predict the effect of missense changes on protein structure and function are either unavailable or do not agree on the potential impact of this missense change (SIFT: "Deleterious"; PolyPhen-2: "Probably Damaging"; Align-GVGD: "Class C0"). This variant has not been reported in the literature in individuals affected with TBX1-related conditions. This variant is present in population databases (rs373539086, ExAC 0.001%). This sequence change replaces glutamine with arginine at codon 238 of the TBX1 protein (p.Gln238Arg). The glutamine residue is highly conserved and there is a small physicochemical difference between glutamine and arginine.